The following is an entry in ClinVar:

ClinVar aggregate classification (germline): Uncertain significance. Review status: criteria provided, multiple submitters, no conflicts (2 of 4 stars). 2 submissions from 2 submitters: Uncertain significance (2). Last evaluated 2025-04-14.

Conditions:
Inborn genetic diseases. Identifiers: MedGen C0950123, MeSH D030342.
Baller-Gerold syndrome (BGS). Also called: CRANIOSYNOSTOSIS WITH RADIAL DEFECTS. Identifiers: Orphanet 1225, MedGen C0265308, MONDO:0009039, OMIM 218600.

Allele frequency attached by ClinVar (database versions not stated): gnomAD exomes below 0.00001.

Submissions (2):

Ambry Genetics
Classification: Uncertain significance for Inborn genetic diseases. Last evaluated: 2025-04-14. Review status: criteria provided, single submitter. Criteria: Ambry Variant Classification Scheme 2023. Collection method: clinical testing. Allele origin: germline.
Comment: The p.I716L variant (also known as c.2146A>C), located in coding exon 13 of the RECQL4 gene, results from an A to C substitution at nucleotide position 2146. The isoleucine at codon 716 is replaced by leucine, an amino acid with highly similar properties. This amino acid position is conserved. In addition, this alteration is predicted to be tolerated by in silico analysis. Based on the available evidence, the clinical significance of this variant remains unclear.

Labcorp Genetics (formerly Invitae), Labcorp
Classification: Uncertain significance for Baller-Gerold syndrome. Last evaluated: 2020-06-16. Review status: criteria provided, single submitter. Criteria: Invitae Variant Classification Sherloc (09022015). Collection method: clinical testing. Allele origin: germline.
Comment: This sequence change replaces isoleucine with leucine at codon 716 of the RECQL4 protein (p.Ile716Leu). The isoleucine residue is weakly conserved and there is a small physicochemical difference between isoleucine and leucine. This variant is not present in population databases (ExAC no frequency). This variant has not been reported in the literature in individuals with RECQL4-related conditions. Experimental studies and prediction algorithms are not available or were not evaluated, and the functional significance of this variant is currently unknown. In summary, the available evidence is currently insufficient to determine the role of this variant in disease. Therefore, it has been classified as a Variant of Uncertain Significance.

NM_004260.4(RECQL4):c.2146A>C (p.Ile716Leu)

Gene: RECQL4 (RecQ like helicase 4; minus strand). Cytogenetic location: 8q24.3.
Variant type: single nucleotide variant.
Coding change: c.2146A>C on transcript NM_004260.4 (MANE Select); coding-DNA position 2146, A replaced by C.
Protein change: p.Ile716Leu; replaces isoleucine 716 with leucine.
Molecular consequence: missense variant.
Genome position (GRCh38, 1-based): chr8:144,513,625, T>G on the plus strand (A>C on the coding strand, the complement: RECQL4 is on the minus strand). VCF-style: chr8-144513625-T-G. GRCh37 (hg19) VCF-style: chr8-145739009-T-G.
Other names: c.2146A>C (NM_004260.3); short protein forms I716L.
Identifiers: ClinVar variation 1023316 (VCV001023316.2), dbSNP rs1331893787, ClinGen allele CA372679757.